The following is an entry in ClinVar:

NM_003014.4(SFRP4):c.445+1G>A

Gene: SFRP4 (secreted frizzled related protein 4; minus strand). Cytogenetic location: 7p14.1.
Variant type: single nucleotide variant.
Coding change: c.445+1G>A on transcript NM_003014.4 (MANE Select); the canonical splice donor site of the intron after coding-DNA position 445, G replaced by A.
Molecular consequence: splice donor variant.
Genome position (GRCh38, 1-based): chr7:37,916,092, C>T on the plus strand (G>A on the coding strand, the complement: SFRP4 is on the minus strand). VCF-style: chr7-37916092-C-T. GRCh37 (hg19) VCF-style: chr7-37955694-C-T.
Identifiers: ClinVar variation 3775097 (VCV003775097.1).
Genomic context (GRCh38, chr7:37,916,092, plus strand): 5'-CGATTGGCAGCCACAGCCCCGGGCGCCTCCTCGCCTCCCTCCATCCTTCCTACGGCCTCA[C>T]CCTCCGGGAGGTCCGTGACGATGGCTTCAGGCGAGATGCACACGCCACGGTCATAGACAG-3'

ClinVar aggregate classification (germline): Likely pathogenic (1 of 4 stars; one submission).

Conditions:
Pyle metaphyseal dysplasia (PYL). Also called: Pyle disease; Metaphyseal dysostosis. Identifiers: Orphanet 3005, MedGen C0265294, MONDO:0009943, OMIM 265900.

Submission:

Illumina Laboratory Services, Illumina
Classification: Likely pathogenic for Pyle metaphyseal dysplasia. Last evaluated: 2023-09-21. Review status: criteria provided, single submitter. Criteria: ICSLVariantClassificationCriteria RUGD 01 April 2020. Collection method: clinical testing. Allele origin: unknown.
Comment: The SFRP4 c.445+1G>A variant results in a substitution at the consensus splice donor site which may result in splicing defects. To our knowledge, this variant has not been reported in the peer-reviewed literature. The c.445+1G>A variant is not observed in version 2.1.1 or version 3.1.2 of the Genome Aggregation Database. Based on the available evidence, the c.445+1G>A variant is classified as likely pathogenic for Pyle disease.